The following is an entry in ClinVar:

ClinVar aggregate classification (germline): Pathogenic (1 of 4 stars; one submission).

Conditions:
Joubert syndrome. Also called: Familial aplasia of the vermis; CEREBELLOPARENCHYMAL DISORDER IV; JOUBERT-BOLTSHAUSER SYNDROME. Identifiers: Orphanet 475, MedGen C5979921, MONDO:0018772.
Meckel-Gruber syndrome. Also called: Dysencephalia splachnocystica; DYSENCEPHALIA SPLANCHNOCYSTICA; GRUBER SYNDROME. Identifiers: Orphanet 564, MedGen C0265215, MONDO:0018921.

Submission:

Labcorp Genetics (formerly Invitae), Labcorp
Classification: Pathogenic for Joubert syndrome; Meckel-Gruber syndrome. Last evaluated: 2020-10-09. Review status: criteria provided, single submitter. Criteria: Invitae Variant Classification Sherloc (09022015). Collection method: clinical testing. Allele origin: germline.
Comment: For these reasons, this variant has been classified as Pathogenic. Loss-of-function variants in RPGRIP1L are known to be pathogenic (PMID: 17558409). This variant has not been reported in the literature in individuals with RPGRIP1L-related conditions. This variant is not present in population databases (ExAC no frequency). This sequence change creates a premature translational stop signal (p.Cys799*) in the RPGRIP1L gene. It is expected to result in an absent or disrupted protein product.

Literature cited by the submitters: PubMed 17558409.

NM_015272.5(RPGRIP1L):c.2397C>A (p.Cys799Ter)

Gene: RPGRIP1L (RPGRIP1 like; minus strand). Cytogenetic location: 16q12.2.
Variant type: single nucleotide variant.
Coding change: c.2397C>A on transcript NM_015272.5 (MANE Select); coding-DNA position 2397, C replaced by A.
Protein change: p.Cys799Ter; replaces cysteine 799 with a stop codon.
Molecular consequence: nonsense.
Genome position (GRCh38, 1-based): chr16:53,645,911, G>T on the plus strand (C>A on the coding strand, the complement: RPGRIP1L is on the minus strand). VCF-style: chr16-53645911-G-T. GRCh37 (hg19) VCF-style: chr16-53679823-G-T.
Other names: c.2397C>A, p.Cys799Ter (NM_001127897.4, NM_001308334.3, NM_001330538.2); short protein forms C799*.
Identifiers: ClinVar variation 1071499 (VCV001071499.7), dbSNP rs758547965, ClinGen allele CA395914708.